The following is an entry in ClinVar:

NM_022065.5(THADA):c.3456A>C (p.Ser1152=)

Gene: THADA (THADA armadillo repeat containing; minus strand). Cytogenetic location: 2p21.
Variant type: single nucleotide variant.
Coding change: c.3456A>C on transcript NM_022065.5 (MANE Select); coding-DNA position 3456, A replaced by C.
Protein change: p.Ser1152=; no amino-acid change (serine 1152 retained).
Molecular consequence: synonymous variant. On other transcripts: non-coding transcript variant (2).
Genome position (GRCh38, 1-based): chr2:43,508,699, T>G on the plus strand (A>C on the coding strand, the complement: THADA is on the minus strand). VCF-style: chr2-43508699-T-G. GRCh37 (hg19) VCF-style: chr2-43735838-T-G.
Other names: c.3456A>C, p.Ser1152= (NM_001083953.2, NM_001345925.2); c.3453A>C, p.Ser1151= (NM_001345923.2); c.3333A>C, p.Ser1111= (NM_001345924.2); c.2586A>C, p.Ser862= (NM_198554.1).
Identifiers: ClinVar variation 3048624 (VCV003048624.2), dbSNP rs200109940, ClinGen allele CA1632585.

ClinVar aggregate classification (germline): Likely benign (0 of 4 stars; one submission).

Conditions:
THADA-related disorder. Also called: THADA-related condition.

Allele frequency attached by ClinVar (database versions not stated): gnomAD 0.00006; TOPMed 0.00006; ExAC 0.00008; ESP Exome Variant Server 0.00008.
gnomAD v4.1: 117 of 1,613,624 alleles (0.0073%); highest among the groups gnomAD compares: Non-Finnish European, 0.0057%; no homozygotes.

Submission:

PreventionGenetics, part of Exact Sciences
Classification: Likely benign for THADA-related condition. Last evaluated: 2019-11-26. Review status: no assertion criteria provided. Collection method: clinical testing. Allele origin: germline.
Comment: This variant is classified as likely benign based on ACMG/AMP sequence variant interpretation guidelines (Richards et al. 2015 PMID: 25741868, with internal and published modifications).